The following is an entry in ClinVar:

ClinVar aggregate classification (germline): Uncertain significance. Review status: criteria provided, single submitter (1 of 4 stars). 2 submissions from 2 submitters: Uncertain significance (1). 1 of the submissions does not count toward it. Last evaluated 2020-09-11.

Conditions:
Siddiqi syndrome. Also called: DEAFNESS, DYSTONIA, DEVELOPMENTAL DELAY, AND POOR GROWTH. Identifiers: MedGen C5231435, MONDO:0032842, OMIM 618635.

Submissions (2):

GeneDx
Classification: Uncertain significance. Last evaluated: 2020-09-11. Review status: criteria provided, single submitter. Criteria: GeneDx Variant Classification Process June 2021. Collection method: clinical testing. Allele origin: germline. Affected: yes.
Comment: Not observed in large population cohorts (Lek et al., 2016); In silico analysis, which includes protein predictors and evolutionary conservation, supports a deleterious effect; Has not been previously published as pathogenic or benign to our knowledge

Undiagnosed Diseases Network, NIH
Classification: Uncertain significance for Siddiqi syndrome. Last evaluated: 2023-02-28. Review status: no assertion criteria provided. Collection method: clinical testing. Allele origin: maternal. Affected: yes. Observed: 1 variant allele, 1 compound heterozygote. Study: Undiagnosed Diseases Network (NIH), UDN. Not counted in ClinVar's aggregate classification.

NM_001080472.4(FITM2):c.146T>A (p.Leu49His)

Gene: FITM2 (fat storage inducing transmembrane protein 2; minus strand). Cytogenetic location: 20q13.12.
Variant type: single nucleotide variant.
Coding change: c.146T>A on transcript NM_001080472.4 (MANE Select); coding-DNA position 146, T replaced by A.
Protein change: p.Leu49His; replaces leucine 49 with histidine.
Molecular consequence: missense variant.
Genome position (GRCh38, 1-based): chr20:44,311,003, A>T on the plus strand (T>A on the coding strand, the complement: FITM2 is on the minus strand). VCF-style: chr20-44311003-A-T. GRCh37 (hg19) VCF-style: chr20-42939643-A-T.
Other names: p.L49H; short protein forms L49H.
Identifiers: ClinVar variation 1303579 (VCV001303579.4), dbSNP rs2146092876, ClinGen allele CA409111993.
Genomic context (GRCh38, chr20:44,311,003, plus strand): 5'-GGCGGGGACAGCGGAGGACCGGGGTGCACTCACACGTTGAGGACGTTGCGCTTGTTGCTG[A>T]GGTAGCTCTCGGGCAACGGGGACAACTCCTTGAGGAGGGAGCCCGCCAGCATGGAGGCCA-3'
Protein context (NP_001073941.1, residues 39-59): KELSPLPESY[Leu49His]SNKRNVLNVY